The following is an entry in ClinVar:

NM_000890.5(KCNJ5):c.*1168C>G

Gene: KCNJ5 (potassium inwardly rectifying channel subfamily J member 5; plus strand). Cytogenetic location: 11q24.3.
Variant type: single nucleotide variant.
Coding change: c.*1168C>G on transcript NM_000890.5 (MANE Select); 1168 bases downstream of the stop codon, C replaced by G.
Molecular consequence: 3 prime UTR variant.
Genome position (GRCh38, 1-based): chr11:128,917,899, C>G. VCF-style: chr11-128917899-C-G. GRCh37 (hg19) VCF-style: chr11-128787794-C-G.
Other names: c.*1168C>G (LRG_333t1, NM_001354169.2).
Identifiers: ClinVar variation 303663 (VCV000303663.9), dbSNP rs1137937, ClinGen allele CA10637911.
Genomic context (GRCh38, chr11:128,917,899, plus strand): 5'-AGGTCAGGAGATCGAGACCATCCTGGCTAACACGGTGAAACCCCGTCTCTACTGAAAATA[C>G]AAAAAATTAGCCAGGCATGGTGGCAGGTGCCTGTAGTCCCAGCTACTCGGGAAGCTGAGG-3'

ClinVar aggregate classification (germline): Benign. Review status: criteria provided, multiple submitters, no conflicts (2 of 4 stars). 3 submissions from 3 submitters: Benign (3). Last evaluated 2021-05-12.

Conditions:
Familial hyperaldosteronism type III. Also called: FH III; Familial hyperaldosteronism type 3. Identifiers: Orphanet 251274, MedGen C3838758, MONDO:0013359, OMIM 613677.

Allele frequency attached by ClinVar (database versions not stated): 1000 Genomes Project 0.16554; gnomAD 0.18319; 1000 Genomes Project 30x 0.16568; TOPMed 0.17814; gnomAD exomes 0.13174.
gnomAD v4.1: 27,585 of 152,210 alleles (18%); highest among the groups gnomAD compares: Middle Eastern, 25%; 2,622 homozygotes.

Submissions (3):

GeneDx
Classification: Benign. Last evaluated: 2021-05-12. Review status: criteria provided, single submitter. Criteria: GeneDx Variant Classification Process June 2021. Collection method: clinical testing. Allele origin: germline. Affected: yes.

Illumina Laboratory Services, Illumina
Classification: Benign for Familial hyperaldosteronism type III. Last evaluated: 2018-01-12. Review status: criteria provided, single submitter. Criteria: ICSL Variant Classification Criteria 13 December 2019. Collection method: clinical testing. Allele origin: germline.
Comment: This variant was observed in the ICSL laboratory as part of a predisposition screen in an ostensibly healthy population. It had not been previously curated by ICSL or reported in the Human Gene Mutation Database (HGMD: prior to June 1st, 2018), and was therefore a candidate for classification through an automated scoring system. Utilizing variant allele frequency, disease prevalence and penetrance estimates, and inheritance mode, an automated score was calculated to assess if this variant is too frequent to cause the disease. Based on the score and internal cut-off values, a variant classified as benign is not then subjected to further curation. The score for this variant resulted in a classification of benign for this disease.

Breakthrough Genomics
Classification: Benign. Review status: criteria provided, single submitter. Criteria: ACMG Guidelines, 2015. Collection method: not provided. Allele origin: germline. Inheritance: Autosomal dominant inheritance. Affected: yes.